The following is an entry in ClinVar:

NM_152564.5(VPS13B):c.5123A>C (p.Asn1708Thr)

Gene: VPS13B (vacuolar protein sorting 13 homolog B; plus strand). Cytogenetic location: 8q22.2.
Variant type: single nucleotide variant.
Coding change: c.5123A>C on transcript NM_152564.5 (MANE Select); coding-DNA position 5123, A replaced by C.
Protein change: p.Asn1708Thr; replaces asparagine 1708 with threonine.
Molecular consequence: missense variant.
Genome position (GRCh38, 1-based): chr8:99,577,536, A>C. VCF-style: chr8-99577536-A-C. GRCh37 (hg19) VCF-style: chr8-100589764-A-C.
Other names: c.5198A>C, p.Asn1733Thr (NM_017890.5); c.5198A>C (NM_017890.3); c.5123A>C (NM_152564.4); short protein forms N1733T, N1708T.
Identifiers: ClinVar variation 1047453 (VCV001047453.7), dbSNP rs200878381, ClinGen allele CA4823754.

ClinVar aggregate classification (germline): Uncertain significance. Review status: criteria provided, multiple submitters, no conflicts (2 of 4 stars). 4 submissions from 4 submitters: Uncertain significance (2). 2 of the submissions do not count toward it. Last evaluated 2022-11-15.

Conditions:
Cohen syndrome (COH1). Also called: PEPPER SYNDROME; Cutis verticis gyrata, retinitis pigmentosa, and sensorineural deafness. Identifiers: Orphanet 193, MedGen C0265223, MONDO:0008999, OMIM 216550.
VPS13B-related disorder. Also called: VPS13B-related condition.
Inborn genetic diseases. Identifiers: MedGen C0950123, MeSH D030342.

Allele frequency attached by ClinVar (database versions not stated): gnomAD exomes below 0.00001 and 0.00006; ExAC 0.00001; gnomAD 0.00001.
gnomAD v4.1: 88 of 1,613,760 alleles (0.0055%); highest among the groups gnomAD compares: Non-Finnish European, 0.0071%; no homozygotes.

Submissions (4):

Ambry Genetics
Classification: Uncertain significance for Inborn genetic diseases. Last evaluated: 2022-11-15. Review status: criteria provided, single submitter. Criteria: Ambry Variant Classification Scheme 2023. Collection method: clinical testing. Allele origin: germline.

Labcorp Genetics (formerly Invitae), Labcorp
Classification: Uncertain significance for Cohen syndrome. Last evaluated: 2020-07-30. Review status: criteria provided, single submitter. Criteria: Invitae Variant Classification Sherloc (09022015). Collection method: clinical testing. Allele origin: germline.
Comment: This sequence change replaces asparagine with threonine at codon 1733 of the VPS13B protein (p.Asn1733Thr). The asparagine residue is weakly conserved and there is a small physicochemical difference between asparagine and threonine. This variant is present in population databases (rs200878381, ExAC 0.001%). This variant has not been reported in the literature in individuals with VPS13B-related conditions. Algorithms developed to predict the effect of missense changes on protein structure and function are either unavailable or do not agree on the potential impact of this missense change (SIFT: Tolerated; PolyPhen-2: Possibly Damaging; Align-GVGD: C0). In summary, the available evidence is currently insufficient to determine the role of this variant in disease. Therefore, it has been classified as a Variant of Uncertain Significance.

PreventionGenetics, part of Exact Sciences
Classification: Uncertain significance for VPS13B-related condition. Last evaluated: 2024-05-22. Review status: no assertion criteria provided. Collection method: clinical testing. Allele origin: germline. Not counted in ClinVar's aggregate classification.
Comment: The VPS13B c.5123A>C variant is predicted to result in the amino acid substitution p.Asn1708Thr. To our knowledge, this variant has not been reported in the literature. This variant is reported in 0.0040% of alleles in individuals of African descent in gnomAD. At this time, the clinical significance of this variant is uncertain due to the absence of conclusive functional and genetic evidence.

Natera, Inc.
Classification: Uncertain significance for Cohen syndrome. Last evaluated: 2020-12-31. Review status: no assertion criteria provided. Collection method: clinical testing. Allele origin: germline. Not counted in ClinVar's aggregate classification.